The following is an entry in ClinVar:

NM_032043.3(BRIP1):c.2097+8A>C

Gene: BRIP1 (BRCA1 interacting DNA helicase 1; minus strand). Cytogenetic location: 17q23.2.
Variant type: single nucleotide variant.
Coding change: c.2097+8A>C on transcript NM_032043.3 (MANE Select); 8 bases into the intron after coding-DNA position 2097, A replaced by C.
Genome position (GRCh38, 1-based): chr17:61,776,393, T>G on the plus strand (A>C on the coding strand, the complement: BRIP1 is on the minus strand). VCF-style: chr17-61776393-T-G. GRCh37 (hg19) VCF-style: chr17-59853754-T-G.
Other names: c.2097+8A>C (LRG_300t1).
Identifiers: ClinVar variation 182364 (VCV000182364.21), dbSNP rs730881642, ClinGen allele CA298919.

ClinVar aggregate classification (germline): Benign/Likely benign. Review status: criteria provided, multiple submitters, no conflicts (2 of 4 stars). 9 submissions from 8 submitters: Benign (1); Likely benign (5). 3 of the submissions do not count toward it. Last evaluated 2026-01-25.

Conditions:
Fanconi anemia complementation group J. Also called: BRIP1-Related Fanconi Anemia. Identifiers: Orphanet 84, MedGen C1836860, MONDO:0012187, OMIM 609054.
Familial cancer of breast. Also called: BREAST CANCER, FAMILIAL; hereditary breast carcinoma; Hereditary breast cancer. Identifiers: Orphanet 227535, MedGen C0346153, MONDO:0016419, OMIM 114480. Disease mechanism: loss of function.
BRIP1-related disorder. Also called: BRIP1-related condition; BRIP1-related disorders. Identifiers: MedGen CN239206.
Hereditary cancer-predisposing syndrome. Also called: Tumor predisposition; Hereditary Cancer Syndrome; Hereditary neoplastic syndrome; Neoplastic Syndromes, Hereditary. Identifiers: Orphanet 140162, MedGen C0027672, MeSH D009386, MONDO:0015356.
Ovarian cancer. Also called: OVARIAN CANCER, SOMATIC. Identifiers: Orphanet 213500, MedGen C1140680, MONDO:0008170, OMIM 167000.

Allele frequency attached by ClinVar (database versions not stated): gnomAD 0.00001; gnomAD exomes 0.00001; TOPMed 0.00001.
gnomAD v4.1: 17 of 1,613,886 alleles (0.0011%); highest among the groups gnomAD compares: Non-Finnish European, 0.0014%; no homozygotes.

Submissions (9):

Labcorp Genetics (formerly Invitae), Labcorp
Classification: Likely benign for Familial cancer of breast; Fanconi anemia complementation group J. Last evaluated: 2026-01-25. Review status: criteria provided, single submitter. Criteria: Invitae Variant Classification Sherloc (09022015). Collection method: clinical testing. Allele origin: germline.

Myriad Genetics, Inc.
Classification: Likely benign for Familial cancer of breast. Last evaluated: 2023-02-28. Review status: criteria provided, single submitter. Criteria: Myriad Autosomal Dominant, Autosomal Recessive and X-Linked Classification Criteria (2023). Collection method: clinical testing. Allele origin: unknown.
Comment: This variant is considered likely benign. This variant is intronic and is not expected to impact mRNA splicing.

Institute of Human Genetics, University of Leipzig Medical Center
Classification: Likely benign for Familial cancer of breast. Last evaluated: 2021-02-26. Review status: criteria provided, single submitter. Criteria: ACMG Guidelines, 2015. Collection method: clinical testing. Allele origin: unknown. Affected: yes.

Mendelics
Classification: Likely benign for Familial cancer of breast. Last evaluated: 2019-05-28. Review status: criteria provided, single submitter. Criteria: Mendelics Assertion Criteria 2017. Collection method: clinical testing. Allele origin: unknown.

Color Diagnostics, LLC DBA Color Health
Classification: Likely benign for Hereditary cancer-predisposing syndrome. Last evaluated: 2016-10-14. Review status: criteria provided, single submitter. Criteria: ACMG Guidelines, 2015. Collection method: clinical testing. Allele origin: germline.

GeneDx
Classification: Benign. Last evaluated: 2014-09-22. Review status: criteria provided, single submitter. Criteria: GeneDx Variant Classification (06012015). Collection method: clinical testing. Allele origin: germline. Affected: yes.
Comment: This variant is considered likely benign or benign based on one or more of the following criteria: it is a conservative change, it occurs at a poorly conserved position in the protein, it is predicted to be benign by multiple in silico algorithms, and/or has population frequency not consistent with disease.

PreventionGenetics, part of Exact Sciences
Classification: Likely benign for BRIP1-related condition. Last evaluated: 2019-02-22. Review status: no assertion criteria provided. Collection method: clinical testing. Allele origin: germline. Not counted in ClinVar's aggregate classification.
Comment: This variant is classified as likely benign based on ACMG/AMP sequence variant interpretation guidelines (Richards et al. 2015 PMID: 25741868, with internal and published modifications).

Counsyl
Classification: Likely benign for Fanconi anemia complementation group J. Last evaluated: 2016-08-09. Review status: no assertion criteria provided. Collection method: clinical testing. Allele origin: unknown. Not counted in ClinVar's aggregate classification.

Counsyl
Classification: Likely benign for Ovarian cancer. Last evaluated: 2016-08-09. Review status: no assertion criteria provided. Collection method: clinical testing. Allele origin: unknown. Not counted in ClinVar's aggregate classification.